The following is an entry in ClinVar:

NM_002439.5(MSH3):c.836A>G (p.Asn279Ser)

Gene: MSH3 (mutS homolog 3; plus strand). Cytogenetic location: 5q14.1.
Variant type: single nucleotide variant.
Coding change: c.836A>G on transcript NM_002439.5 (MANE Select); coding-DNA position 836, A replaced by G.
Protein change: p.Asn279Ser; replaces asparagine 279 with serine.
Molecular consequence: missense variant.
Genome position (GRCh38, 1-based): chr5:80,672,287, A>G. VCF-style: chr5-80672287-A-G. GRCh37 (hg19) VCF-style: chr5-79968106-A-G.
Other names: c.836A>G (NM_002439.3); short protein forms N279S.
Identifiers: ClinVar variation 2099575 (VCV002099575.5), dbSNP rs2546722383, ClinGen allele CA360267145.

ClinVar aggregate classification (germline): Uncertain significance. Review status: criteria provided, multiple submitters, no conflicts (2 of 4 stars). 2 submissions from 2 submitters: Uncertain significance (2). Last evaluated 2024-12-17.

Conditions:
Hereditary cancer-predisposing syndrome. Also called: Hereditary Cancer Syndrome; Tumor predisposition; Neoplastic Syndromes, Hereditary; Hereditary neoplastic syndrome. Identifiers: Orphanet 140162, MedGen C0027672, MeSH D009386, MONDO:0015356.

Allele frequency attached by ClinVar (database versions not stated): gnomAD exomes below 0.00001.

Submissions (2):

Ambry Genetics
Classification: Uncertain significance for Hereditary cancer-predisposing syndrome. Last evaluated: 2024-12-17. Review status: criteria provided, single submitter. Criteria: Ambry Variant Classification Scheme 2023. Collection method: clinical testing. Allele origin: germline.
Comment: The p.N279S variant (also known as c.836A>G), located in coding exon 5 of the MSH3 gene, results from an A to G substitution at nucleotide position 836. The asparagine at codon 279 is replaced by serine, an amino acid with highly similar properties. This amino acid position is conserved. In addition, this alteration is predicted to be tolerated by in silico analysis. Based on the available evidence, the clinical significance of this variant remains unclear.

Labcorp Genetics (formerly Invitae), Labcorp
Classification: Uncertain significance. Last evaluated: 2022-10-19. Review status: criteria provided, single submitter. Criteria: Invitae Variant Classification Sherloc (09022015). Collection method: clinical testing. Allele origin: germline.
Comment: This sequence change replaces asparagine, which is neutral and polar, with serine, which is neutral and polar, at codon 279 of the MSH3 protein (p.Asn279Ser). In summary, the available evidence is currently insufficient to determine the role of this variant in disease. Therefore, it has been classified as a Variant of Uncertain Significance. Algorithms developed to predict the effect of missense changes on protein structure and function output the following: SIFT: "Deleterious"; PolyPhen-2: "Possibly Damaging"; Align-GVGD: "Class C0". The serine amino acid residue is found in multiple mammalian species, which suggests that this missense change does not adversely affect protein function. This variant has not been reported in the literature in individuals affected with MSH3-related conditions. This variant is not present in population databases (gnomAD no frequency).